The following is an entry in ClinVar:

NM_001365925.2(NLGN1):c.940G>A (p.Ala314Thr)

Gene: NLGN1 (neuroligin 1; plus strand). Cytogenetic location: 3q26.31.
Variant type: single nucleotide variant.
Coding change: c.940G>A on transcript NM_001365925.2 (MANE Select); coding-DNA position 940, G replaced by A.
Protein change: p.Ala314Thr; replaces alanine 314 with threonine.
Molecular consequence: missense variant.
Genome position (GRCh38, 1-based): chr3:174,278,881, G>A. VCF-style: chr3-174278881-G-A. GRCh37 (hg19) VCF-style: chr3-173996671-G-A.
Other names: c.940G>A, p.Ala314Thr (NM_001365923.2, NM_001365924.2, NM_001365926.2 and 2 more transcripts); c.880G>A, p.Ala294Thr (NM_001365929.2, NM_001365930.2, NM_001365931.2 and 3 more transcripts); c.853G>A, p.Ala285Thr (NM_001365934.2, NM_001365935.2, NM_001365936.2); short protein forms A285T, A294T, A314T.
Identifiers: ClinVar variation 4983454 (VCV004983454.1).
Genomic context (GRCh38, chr3:174,278,881, plus strand): 5'-CCCAAAGATCATCTAAAATTCTTTGTTGATTTTCCCATAGGACTTTTTCAACGAGCAATA[G>A]CTCAAAGTGGAACAGCCCTTTCCAGCTGGGCTGTTAGTTTTCAACCTGCAAAATATGCTA-3'
Protein context (NP_001352854.1, residues 304-324): STKGLFQRAI[Ala314Thr]QSGTALSSWA

ClinVar aggregate classification (germline): Uncertain significance (1 of 4 stars; one submission).

Conditions:
NLGN1-related disorder. Also called: NLGN1-related condition.

gnomAD v4.1: 1 of 1,492,726 alleles (0.000067%); highest among the groups gnomAD compares: Middle Eastern, 0.018%; no homozygotes.

Submission:

PreventionGenetics, part of Exact Sciences
Classification: Uncertain significance for NLGN1-related condition. Last evaluated: 2026-04-16. Review status: criteria provided, single submitter. Criteria: ACMG Guidelines, 2015. Collection method: clinical testing. Allele origin: germline.
Comment: The NLGN1 c.880G>A variant is predicted to result in the amino acid substitution p.Ala294Thr. To our knowledge, this variant has not been reported in the literature or in a large population database (gnomAD), indicating this variant is rare. At this time, the clinical significance of this variant is uncertain due to the absence of conclusive functional and genetic evidence.